The following is an entry in ClinVar:

ClinVar aggregate classification (germline): Likely benign (1 of 4 stars; one submission).

gnomAD v4.1: 33 of 1,613,808 alleles (0.002%); highest among the groups gnomAD compares: African/African-American, 0.0027%; no homozygotes.

Submission:

CeGaT Center for Human Genetics Tuebingen
Classification: Likely benign. Last evaluated: 2026-04-01. Review status: criteria provided, single submitter. Criteria: CeGaT Center For Human Genetics Tuebingen Variant Classification Criteria Version 2. Collection method: clinical testing. Allele origin: germline. Affected: yes. Observed: 1 variant allele.
Comment: CKAP2L: BP4, BP7

NM_152515.5(CKAP2L):c.1938G>A (p.Thr646=)

Genes: CKAP2L (cytoskeleton associated protein 2L; minus strand), NT5DC4 (5'-nucleotidase domain containing 4; plus strand). Cytogenetic location: 2q14.1.
Variant type: single nucleotide variant.
Coding change: c.1938G>A on transcript NM_152515.5 (MANE Select); coding-DNA position 1938, G replaced by A.
Protein change: p.Thr646=; no amino-acid change (threonine 646 retained).
Molecular consequence: synonymous variant. On other transcripts: non-coding transcript variant (1), intron variant (1).
Genome position (GRCh38, 1-based): chr2:112,740,892, C>T on the plus strand (G>A on the coding strand, the complement: CKAP2L is on the minus strand). VCF-style: chr2-112740892-C-T. GRCh37 (hg19) VCF-style: chr2-113498469-C-T.
Other names: c.1443G>A, p.Thr481= (NM_001304361.2); c.1249-1520C>T (NM_001350494.2).
Identifiers: ClinVar variation 4874748 (VCV004874748.2).
Genomic context (GRCh38, chr2:112,740,892, plus strand): 5'-AATCTGTAATTTGATACCAGGATAATTATGCTGTTCTGCCTTGGCTATTCGGGGTGTCGC[C>T]GTGACTTGTTCCCTCTCTTTTGGAGAAAGACAAGACTTCACAGATTCCATCTTCTTGGCC-3'
Protein context (NP_689728.3, residues 636-656): CLSPKEREQV[Thr646=]ATPRIAKAEQ